The following is an entry in ClinVar:

NM_015213.4(DENND5A):c.2614C>T (p.Gln872Ter)

Gene: DENND5A (DENN domain containing 5A; minus strand). Cytogenetic location: 11p15.4.
Variant type: single nucleotide variant.
Coding change: c.2614C>T on transcript NM_015213.4 (MANE Select); coding-DNA position 2614, C replaced by T.
Protein change: p.Gln872Ter; replaces glutamine 872 with a stop codon.
Molecular consequence: nonsense. On other transcripts: non-coding transcript variant (1).
Genome position (GRCh38, 1-based): chr11:9,150,202, G>A on the plus strand (C>T on the coding strand, the complement: DENND5A is on the minus strand). VCF-style: chr11-9150202-G-A. GRCh37 (hg19) VCF-style: chr11-9171749-G-A.
Other names: c.2614C>T, p.Gln872Ter (NM_001243254.2, NM_001348748.1); c.2542C>T, p.Gln848Ter (NM_001348749.2); c.2326C>T, p.Gln776Ter (NM_001348750.2); short protein forms Q776*, Q848*, Q872*.
Identifiers: ClinVar variation 3061326 (VCV003061326.2), dbSNP rs1378771732, ClinGen allele CA379605721.

ClinVar aggregate classification (germline): Likely pathogenic (0 of 4 stars; one submission).

Conditions:
DENND5A-related disorder. Also called: DENND5A-related condition.

Submission:

PreventionGenetics, part of Exact Sciences
Classification: Likely pathogenic for DENND5A-related condition. Last evaluated: 2024-02-16. Review status: no assertion criteria provided. Collection method: clinical testing. Allele origin: germline.
Comment: The DENND5A c.2614C>T variant is predicted to result in premature protein termination (p.Gln872*). To our knowledge, this variant has not been reported in the literature or in a large population database, indicating this variant is rare. Nonsense variants in DENND5A are expected to be pathogenic. This variant is interpreted as likely pathogenic.